The following is an entry in ClinVar:

ClinVar aggregate classification (germline): Uncertain significance (1 of 4 stars; one submission).

Conditions:
Juvenile myelomonocytic leukemia (JMML). Also called: LEUKEMIA, JUVENILE MYELOMONOCYTIC, SOMATIC. Identifiers: Orphanet 86834, MedGen C0349639, MONDO:0011908, OMIM 607785, HP:0012209.
Neurofibromatosis-Noonan syndrome (NFNS). Also called: NEUROFIBROMATOSIS WITH NOONAN PHENOTYPE. Identifiers: Orphanet 638, MedGen C2931482, MONDO:0011035, OMIM 601321. Disease mechanism: loss of function.
Café-au-lait macules with pulmonary stenosis (WTSN). Also called: PULMONIC STENOSIS WITH CAFE-AU-LAIT SPOTS. Identifiers: MedGen C0553586, MONDO:0008672, OMIM 193520.
Neurofibromatosis, type 1 (NF1). Also called: Peripheral type neurofibromatosis; VON RECKLINGHAUSEN DISEASE; Neurofibromatosis, type I; NEUROFIBROMATOSIS, TYPE I, SOMATIC. Identifiers: Orphanet 636, MedGen C0027831, MONDO:0018975, OMIM 162200. Disease mechanism: loss of function.
Neurofibromatosis, familial spinal (FSNF). Identifiers: Orphanet 636, MedGen C1834235, MONDO:0008078, OMIM 162210. Disease mechanism: loss of function.

Submission:

Juno Genomics, Hangzhou Juno Genomics, Inc
Classification: Uncertain significance for Neurofibromatosis, type 1; Juvenile myelomonocytic leukemia; Neurofibromatosis, familial spinal; Neurofibromatosis-Noonan syndrome; Café-au-lait macules with pulmonary stenosis. Review status: criteria provided, single submitter. Criteria: ACMG Guidelines, 2015. Collection method: clinical testing. Allele origin: germline.
Comment: Absent from controls (or at extremely low frequency if recessive) in Genome Aggregation Database.

NM_001042492.3(NF1):c.3198-19T>A

Gene: NF1 (neurofibromin 1; plus strand). Cytogenetic location: 17q11.2.
Variant type: single nucleotide variant.
Coding change: c.3198-19T>A on transcript NM_001042492.3 (MANE Select); 19 bases into the intron before coding-DNA position 3198, T replaced by A.
Molecular consequence: intron variant.
Genome position (GRCh38, 1-based): chr17:31,232,054, T>A. VCF-style: chr17-31232054-T-A. GRCh37 (hg19) VCF-style: chr17-29559072-T-A.
Other names: c.3198-19T>A (NM_000267.4).
Identifiers: ClinVar variation 5005732 (VCV005005732.2).